The following is an entry in ClinVar:

ClinVar aggregate classification (germline): Uncertain significance (1 of 4 stars; one submission).

Conditions:
Inborn genetic diseases. Identifiers: MedGen C0950123, MeSH D030342.

Submission:

Ambry Genetics
Classification: Uncertain significance for Inborn genetic diseases. Last evaluated: 2025-08-14. Review status: criteria provided, single submitter. Criteria: Ambry Variant Classification Scheme 2023. Collection method: clinical testing. Allele origin: germline.
Comment: The p.C1283R variant (also known as c.3847T>C), located in coding exon 26 of the ANKRD26 gene, results from a T to C substitution at nucleotide position 3847. The cysteine at codon 1283 is replaced by arginine, an amino acid with highly dissimilar properties. This amino acid position is conserved. In addition, this alteration is predicted to be tolerated by in silico analysis. Based on the available evidence, the clinical significance of this variant remains unclear.

NM_014915.3(ANKRD26):c.3847T>C (p.Cys1283Arg)

Gene: ANKRD26 (ankyrin repeat domain containing 26; minus strand). Cytogenetic location: 10p12.1.
Variant type: single nucleotide variant.
Coding change: c.3847T>C on transcript NM_014915.3 (MANE Select); coding-DNA position 3847, T replaced by C.
Protein change: p.Cys1283Arg; replaces cysteine 1283 with arginine.
Molecular consequence: missense variant.
Genome position (GRCh38, 1-based): chr10:27,029,317, A>G on the plus strand (T>C on the coding strand, the complement: ANKRD26 is on the minus strand). VCF-style: chr10-27029317-A-G. GRCh37 (hg19) VCF-style: chr10-27318246-A-G.
Other names: c.3844T>C, p.Cys1282Arg (NM_001256053.2); short protein forms C1282R, C1283R.
Identifiers: ClinVar variation 4104191 (VCV004104191.1).